The following is an entry in ClinVar:

ClinVar aggregate classification (germline): Likely pathogenic (1 of 4 stars; one submission).

gnomAD v4.1: 1 of 1,614,206 alleles (0.000062%); highest among the groups gnomAD compares: Non-Finnish European, 0.000085%; no homozygotes.

Submission:

Labcorp Genetics (formerly Invitae), Labcorp
Classification: Likely pathogenic. Last evaluated: 2024-04-25. Review status: criteria provided, single submitter. Criteria: Invitae Variant Classification Sherloc (09022015). Collection method: clinical testing. Allele origin: germline.
Comment: This sequence change replaces alanine, which is neutral and non-polar, with threonine, which is neutral and polar, at codon 1073 of the ABCA4 protein (p.Ala1073Thr). This variant is present in population databases (no rsID available, gnomAD 0.0009%). This variant has not been reported in the literature in individuals affected with ABCA4-related conditions. Advanced modeling of protein sequence and biophysical properties (such as structural, functional, and spatial information, amino acid conservation, physicochemical variation, residue mobility, and thermodynamic stability) performed at Invitae indicates that this missense variant is expected to disrupt ABCA4 protein function with a positive predictive value of 95%. This variant disrupts the p.Ala1073 amino acid residue in ABCA4. Other variant(s) that disrupt this residue have been determined to be pathogenic (Invitae). This suggests that this residue is clinically significant, and that variants that disrupt this residue are likely to be disease-causing. In summary, the currently available evidence indicates that the variant is pathogenic, but additional data are needed to prove that conclusively. Therefore, this variant has been classified as Likely Pathogenic.

NM_000350.3(ABCA4):c.3217G>A (p.Ala1073Thr)

Gene: ABCA4 (ATP binding cassette subfamily A member 4; minus strand). Cytogenetic location: 1p22.1.
Variant type: single nucleotide variant.
Coding change: c.3217G>A on transcript NM_000350.3 (MANE Select); coding-DNA position 3217, G replaced by A.
Protein change: p.Ala1073Thr; replaces alanine 1073 with threonine.
Molecular consequence: missense variant.
Genome position (GRCh38, 1-based): chr1:94,042,872, C>T on the plus strand (G>A on the coding strand, the complement: ABCA4 is on the minus strand). VCF-style: chr1-94042872-C-T. GRCh37 (hg19) VCF-style: chr1-94508428-C-T.
Other names: c.2995G>A, p.Ala999Thr (NM_001425324.1); short protein forms A1073T, A999T.
Identifiers: ClinVar variation 3617925 (VCV003617925.2).